The following is an entry in ClinVar:

NM_016204.4(GDF2):c.631G>A (p.Val211Met)

Gene: GDF2 (growth differentiation factor 2; plus strand). Cytogenetic location: 10q11.22.
Variant type: single nucleotide variant.
Coding change: c.631G>A on transcript NM_016204.4 (MANE Select); coding-DNA position 631, G replaced by A.
Protein change: p.Val211Met; replaces valine 211 with methionine.
Molecular consequence: missense variant.
Genome position (GRCh38, 1-based): chr10:47,325,125, G>A. VCF-style: chr10-47325125-G-A. GRCh37 (hg19) VCF-style: chr10-48414237-C-T.
Other names: short protein forms V211M.
Identifiers: ClinVar variation 2177169 (VCV002177169.1), dbSNP rs782438683, ClinGen allele CA5488064.

ClinVar aggregate classification (germline): Uncertain significance (1 of 4 stars; one submission).

Conditions:
Telangiectasia, hereditary hemorrhagic, type 5 (HHT5). Identifiers: Orphanet 774, MedGen C3809710, MONDO:0014217, OMIM 615506.

Allele frequency attached by ClinVar (database versions not stated): ExAC 0.00001; gnomAD exomes 0.00003; TOPMed 0.00003.
gnomAD v4.1: 54 of 1,613,858 alleles (0.0033%); highest among the groups gnomAD compares: Admixed American, 0.005%; no homozygotes.

Submission:

Labcorp Genetics (formerly Invitae), Labcorp
Classification: Uncertain significance for Telangiectasia, hereditary hemorrhagic, type 5. Last evaluated: 2022-04-24. Review status: criteria provided, single submitter. Criteria: Invitae Variant Classification Sherloc (09022015). Collection method: clinical testing. Allele origin: germline.
Comment: This sequence change replaces valine, which is neutral and non-polar, with methionine, which is neutral and non-polar, at codon 211 of the GDF2 protein (p.Val211Met). This variant is present in population databases (rs782438683, gnomAD 0.004%). This variant has not been reported in the literature in individuals affected with GDF2-related conditions. Algorithms developed to predict the effect of missense changes on protein structure and function are either unavailable or do not agree on the potential impact of this missense change (SIFT: "Deleterious"; PolyPhen-2: "Probably Damaging"; Align-GVGD: "Class C15"). In summary, the available evidence is currently insufficient to determine the role of this variant in disease. Therefore, it has been classified as a Variant of Uncertain Significance.